The following is an entry in ClinVar:

ClinVar aggregate classification (germline): Uncertain significance (1 of 4 stars; one submission).

gnomAD v4.1: 23 of 1,608,488 alleles (0.0014%); highest among the groups gnomAD compares: East Asian, 0.018%; no homozygotes.

Submission:

Labcorp Genetics (formerly Invitae), Labcorp
Classification: Uncertain significance. Last evaluated: 2025-03-13. Review status: criteria provided, single submitter. Criteria: Invitae Variant Classification Sherloc (09022015). Collection method: clinical testing. Allele origin: germline.
Comment: This sequence change replaces arginine, which is basic and polar, with histidine, which is basic and polar, at codon 456 of the LZTS1 protein (p.Arg456His). This variant is present in population databases (rs547948010, gnomAD 0.01%). This variant has not been reported in the literature in individuals affected with LZTS1-related conditions. Invitae Evidence Modeling of protein sequence and biophysical properties (such as structural, functional, and spatial information, amino acid conservation, physicochemical variation, residue mobility, and thermodynamic stability) indicates that this missense variant is expected to disrupt LZTS1 protein function with a positive predictive value of 80%. In summary, the available evidence is currently insufficient to determine the role of this variant in disease. Therefore, it has been classified as a Variant of Uncertain Significance.

NM_021020.5(LZTS1):c.1367G>A (p.Arg456His)

Gene: LZTS1 (leucine zipper tumor suppressor 1; minus strand). Cytogenetic location: 8p21.3.
Variant type: single nucleotide variant.
Coding change: c.1367G>A on transcript NM_021020.5 (MANE Select); coding-DNA position 1367, G replaced by A.
Protein change: p.Arg456His; replaces arginine 456 with histidine.
Molecular consequence: missense variant.
Genome position (GRCh38, 1-based): chr8:20,250,146, C>T on the plus strand (G>A on the coding strand, the complement: LZTS1 is on the minus strand). VCF-style: chr8-20250146-C-T. GRCh37 (hg19) VCF-style: chr8-20107657-C-T.
Other names: c.1367G>A, p.Arg456His (NM_001362884.2); short protein forms R456H.
Identifiers: ClinVar variation 3709094 (VCV003709094.2).
Genomic context (GRCh38, chr8:20,250,146, plus strand): 5'-TGCAGCTCCTGCTCCAGCAGGTTCACCTTCTCCCGCAGCAGCTCCGCCTCGTTCTTCTTG[C>T]GCTGCAGCTCATTCTCACAGACCTCCAGCTCCAGGCCCTTGGTGCGCAGGGCGCCCTCCA-3'
Protein context (NP_066300.1, residues 446-466): ELEVCENELQ[Arg456His]KKNEAELLRE